The following is an entry in ClinVar:

ClinVar aggregate classification (germline): Uncertain significance (1 of 4 stars; one submission).

Conditions:
Kabuki syndrome. Also called: NIIKAWA-KUROKI SYNDROME; Kabuki make-up syndrome. Identifiers: Orphanet 2322, MedGen C0796004, MONDO:0016512.

Submission:

Labcorp Genetics (formerly Invitae), Labcorp
Classification: Uncertain significance for Kabuki syndrome. Last evaluated: 2023-07-06. Review status: criteria provided, single submitter. Criteria: Invitae Variant Classification Sherloc (09022015). Collection method: clinical testing. Allele origin: germline.
Comment: This sequence change replaces proline, which is neutral and non-polar, with leucine, which is neutral and non-polar, at codon 5270 of the KMT2D protein (p.Pro5270Leu). This variant is not present in population databases (gnomAD no frequency). This variant has not been reported in the literature in individuals affected with KMT2D-related conditions. This missense change has been observed in at least one individual who was not affected with KMT2D-related conditions (Invitae). Advanced modeling of protein sequence and biophysical properties (such as structural, functional, and spatial information, amino acid conservation, physicochemical variation, residue mobility, and thermodynamic stability) has been performed at Invitae for this missense variant, however the output from this modeling did not meet the statistical confidence thresholds required to predict the impact of this variant on KMT2D protein function. In summary, the available evidence is currently insufficient to determine the role of this variant in disease. Therefore, it has been classified as a Variant of Uncertain Significance.

NM_003482.4(KMT2D):c.15809C>T (p.Pro5270Leu)

Gene: KMT2D (lysine methyltransferase 2D; minus strand). Cytogenetic location: 12q13.12.
Variant type: single nucleotide variant.
Coding change: c.15809C>T on transcript NM_003482.4 (MANE Select); coding-DNA position 15809, C replaced by T.
Protein change: p.Pro5270Leu; replaces proline 5270 with leucine.
Molecular consequence: missense variant.
Genome position (GRCh38, 1-based): chr12:49,024,922, G>A on the plus strand (C>T on the coding strand, the complement: KMT2D is on the minus strand). VCF-style: chr12-49024922-G-A. GRCh37 (hg19) VCF-style: chr12-49418705-G-A.
Other names: short protein forms P5270L.
Identifiers: ClinVar variation 2878658 (VCV002878658.3), dbSNP rs2137712000, ClinGen allele CA384683419.